The following is an entry in ClinVar:

ClinVar aggregate classification (germline): Uncertain significance (1 of 4 stars; one submission).

Conditions:
Gastrointestinal stromal tumor. Also called: Gastrointestinal stroma tumor; Gastrointestinal stromal tumor, somatic. Identifiers: Orphanet 44890, MedGen C0238198, MeSH D046152, MONDO:0011719, OMIM 606764, HP:0100723.

Submission:

Labcorp Genetics (formerly Invitae), Labcorp
Classification: Uncertain significance for Gastrointestinal stromal tumor. Last evaluated: 2021-06-01. Review status: criteria provided, single submitter. Criteria: Invitae Variant Classification Sherloc (09022015). Collection method: clinical testing. Allele origin: germline.
Comment: In summary, the available evidence is currently insufficient to determine the role of this variant in disease. Therefore, it has been classified as a Variant of Uncertain Significance. Algorithms developed to predict the effect of missense changes on protein structure and function (SIFT, PolyPhen-2, Align-GVGD) all suggest that this variant is likely to be tolerated, but these predictions have not been confirmed by published functional studies and their clinical significance is uncertain. This variant has not been reported in the literature in individuals with KIT-related conditions. This variant is not present in population databases (ExAC no frequency). This sequence change replaces lysine with asparagine at codon 116 of the KIT protein (p.Lys116Asn). The lysine residue is moderately conserved and there is a moderate physicochemical difference between lysine and asparagine.

NM_000222.3(KIT):c.348G>T (p.Lys116Asn)

Gene: KIT (KIT proto-oncogene, receptor tyrosine kinase; plus strand). Cytogenetic location: 4q12.
Variant type: single nucleotide variant.
Coding change: c.348G>T on transcript NM_000222.3 (MANE Select); coding-DNA position 348, G replaced by T.
Protein change: p.Lys116Asn; replaces lysine 116 with asparagine.
Molecular consequence: missense variant.
Genome position (GRCh38, 1-based): chr4:54,698,294, G>T. VCF-style: chr4-54698294-G-T. GRCh37 (hg19) VCF-style: chr4-55564460-G-T.
Other names: c.348G>T, p.Lys116Asn (NM_001093772.2, NM_001385284.1, NM_001385285.1 and 4 more transcripts); short protein forms K116N.
Identifiers: ClinVar variation 1358135 (VCV001358135.8), dbSNP rs2109671777, ClinGen allele CA356897394.